The following is an entry in ClinVar:

ClinVar aggregate classification (germline): Likely benign. Review status: criteria provided, single submitter (1 of 4 stars). 2 submissions from 2 submitters: Likely benign (1). 1 of the submissions does not count toward it. Last evaluated 2021-10-12.

Conditions:
Inborn genetic diseases. Identifiers: MedGen C0950123, MeSH D030342.
SEMA6B-related disorder. Also called: SEMA6B-related condition.

Allele frequency attached by ClinVar (database versions not stated): gnomAD exomes 0.00011; 1000 Genomes Project 0.00080; 1000 Genomes Project 30x 0.00094; gnomAD 0.00111; ExAC 0.01613.

Submissions (2):

Ambry Genetics
Classification: Likely benign for Inborn genetic diseases. Last evaluated: 2021-10-12. Review status: criteria provided, single submitter. Criteria: Ambry Variant Classification Scheme 2023. Collection method: clinical testing. Allele origin: germline.

PreventionGenetics, part of Exact Sciences
Classification: Benign for SEMA6B-related condition. Last evaluated: 2022-03-09. Review status: no assertion criteria provided. Collection method: clinical testing. Allele origin: germline. Not counted in ClinVar's aggregate classification.
Comment: This variant is classified as benign based on ACMG/AMP sequence variant interpretation guidelines (Richards et al. 2015 PMID: 25741868, with internal and published modifications).

NM_032108.4(SEMA6B):c.2593G>T (p.Ala865Ser)

Gene: SEMA6B (semaphorin 6B; minus strand). Cytogenetic location: 19p13.3.
Variant type: single nucleotide variant.
Coding change: c.2593G>T on transcript NM_032108.4 (MANE Select); coding-DNA position 2593, G replaced by T.
Protein change: p.Ala865Ser; replaces alanine 865 with serine.
Molecular consequence: missense variant.
Genome position (GRCh38, 1-based): chr19:4,543,675, C>A on the plus strand (G>T on the coding strand, the complement: SEMA6B is on the minus strand). VCF-style: chr19-4543675-C-A. GRCh37 (hg19) VCF-style: chr19-4543687-C-A.
Other names: short protein forms A865S.
Identifiers: ClinVar variation 2355486 (VCV002355486.4), dbSNP rs552864142, ClinGen allele CA9102248.
Genomic context (GRCh38, chr19:4,543,675, plus strand): 5'-GCGCAGTCCTGTCCGCCCCCCCATAGGGGAGGAGGTGGGCCAAGTCTGTGCCCGGCCGGG[C>A]GTGGCAGCCGCGGTGGCGGTCCCCAGGCCGGGCCTCGCCGCTGTTGAACGTGTGGGTGCG-3'
Protein context (NP_115484.2, residues 855-875): RPGDRHRGCH[Ala865Ser]RPGTDLAHLL